The following is an entry in ClinVar:

ClinVar aggregate classification (germline): Benign/Likely benign. Review status: criteria provided, multiple submitters, no conflicts (2 of 4 stars). 6 submissions from 6 submitters: Benign (1); Likely benign (4). 1 of the submissions does not count toward it. Last evaluated 2025-12-15.

Conditions:
Hereditary cancer-predisposing syndrome. Also called: Neoplastic Syndromes, Hereditary; Hereditary Cancer Syndrome; Hereditary neoplastic syndrome; Tumor predisposition. Identifiers: Orphanet 140162, MedGen C0027672, MeSH D009386, MONDO:0015356.
Hereditary leiomyomatosis and renal cell cancer. Also called: Familial leiomyomatosis; Reed syndrome; Multiple cutaneous and uterine leiomyomatosis; Cutaneous leiomyomata with uterine leiomyomata; Leiomyoma, hereditary multiple, of skin; Multiple cutaneous and uterine leiomyomata. Identifiers: Orphanet 523, MedGen C1708350, MONDO:0007888, OMIM 150800, HP:0007437. Disease mechanism: loss of function.
Fumarase deficiency (FMRD). Also called: Fumarate Hydratase Deficiency; Fumaric aciduria. Identifiers: Orphanet 24, MedGen C0342770, MONDO:0011730, OMIM 606812.

Allele frequency attached by ClinVar (database versions not stated): ExAC 0.00001; gnomAD 0.00001; gnomAD exomes 0.00001 and 0.00002; TOPMed 0.00001; 1000 Genomes Project 30x 0.00016; 1000 Genomes Project 0.00020.
gnomAD v4.1: 37 of 1,613,926 alleles (0.0023%); highest among the groups gnomAD compares: Non-Finnish European, 0.0031%; no homozygotes.

Submissions (6):

Labcorp Genetics (formerly Invitae), Labcorp
Classification: Likely benign. Last evaluated: 2025-12-15. Review status: criteria provided, single submitter. Criteria: Invitae Variant Classification Sherloc (09022015). Collection method: clinical testing. Allele origin: germline.

Quest Diagnostics Nichols Institute San Juan Capistrano
Classification: Likely benign. Last evaluated: 2025-10-14. Review status: criteria provided, single submitter. Criteria: Quest Diagnostics criteria. Collection method: clinical testing. Allele origin: unknown.

Myriad Genetics, Inc.
Classification: Benign for Hereditary leiomyomatosis and renal cell cancer. Last evaluated: 2024-10-18. Review status: criteria provided, single submitter. Criteria: Myriad Autosomal Dominant, Autosomal Recessive and X-Linked Classification Criteria (2023). Collection method: clinical testing. Allele origin: unknown.
Comment: This variant is considered benign. This variant is a silent/synonymous amino acid change and it is not expected to impact splicing.

GeneDx
Classification: Likely benign. Last evaluated: 2021-02-24. Review status: criteria provided, single submitter. Criteria: GeneDx Variant Classification Process June 2021. Collection method: clinical testing. Allele origin: germline. Affected: yes.

Ambry Genetics
Classification: Likely benign for Hereditary cancer-predisposing syndrome. Last evaluated: 2017-12-27. Review status: criteria provided, single submitter. Criteria: Ambry Variant Classification Scheme 2023. Collection method: clinical testing. Allele origin: germline.

Natera, Inc.
Classification: Likely benign for Fumarase Deficiency. Last evaluated: 2020-02-29. Review status: no assertion criteria provided. Collection method: clinical testing. Allele origin: germline. Not counted in ClinVar's aggregate classification.

Literature cited by the submitters: PubMed 32612247 (cited by Quest Diagnostics Nichols Institute San Juan Capistrano).

NM_000143.4(FH):c.771T>C (p.Tyr257=)

Gene: FH (fumarate hydratase; minus strand). Cytogenetic location: 1q43.
Variant type: single nucleotide variant.
Coding change: c.771T>C on transcript NM_000143.4 (MANE Select); coding-DNA position 771, T replaced by C.
Protein change: p.Tyr257=; no amino-acid change (tyrosine 257 retained).
Molecular consequence: synonymous variant.
Genome position (GRCh38, 1-based): chr1:241,506,136, A>G on the plus strand (T>C on the coding strand, the complement: FH is on the minus strand). VCF-style: chr1-241506136-A-G. GRCh37 (hg19) VCF-style: chr1-241669436-A-G.
Identifiers: ClinVar variation 763868 (VCV000763868.22), dbSNP rs199909758, ClinGen allele CA1478608.
Genomic context (GRCh38, chr1:241,506,136, plus strand): 5'-AGTGCCTCCAGCTGCGAGCTCATAGATTCTTGGCATGGCAGCTTTTATTCTTGTCATTGC[A>G]TATTTTACTTGTTGAACATAACCACTAAATTCCTGAAAAGAAAAGAAAATTAAGGTAAGA-3'
Protein context (NP_000134.2, residues 247-267): EFSGYVQQVK[Tyr257=]AMTRIKAAMP